The following is an entry in ClinVar:

ClinVar aggregate classification (germline): Uncertain significance. Review status: criteria provided, multiple submitters, no conflicts (2 of 4 stars). 3 submissions from 3 submitters: Uncertain significance (3). Last evaluated 2025-03-26.

Conditions:
Cardiovascular phenotype. Identifiers: MedGen CN230736.

Allele frequency attached by ClinVar (database versions not stated): gnomAD 0.00001.

Submissions (3):

Ambry Genetics
Classification: Uncertain significance for Cardiovascular phenotype. Last evaluated: 2025-03-26. Review status: criteria provided, single submitter. Criteria: Ambry Variant Classification Scheme 2023. Collection method: clinical testing. Allele origin: germline.
Comment: The p.E479K variant (also known as c.1435G>A), located in coding exon 1 of the FKRP gene, results from a G to A substitution at nucleotide position 1435. The glutamic acid at codon 479 is replaced by lysine, an amino acid with similar properties. This variant has been identified in the homozygous state in individual(s) with features consistent with FKRP-related dystroglycanopathies (Masri AT et al. Clin Neurol Neurosurg, 2022 Jun;217:107271). This amino acid position is highly conserved in available vertebrate species. In addition, this alteration is predicted to be deleterious by in silico analysis. Based on the available evidence, the clinical significance of this variant remains unclear.

Revvity Omics, Revvity
Classification: Uncertain significance. Last evaluated: 2022-03-14. Review status: criteria provided, single submitter. Criteria: ACMG Guidelines, 2015. Collection method: clinical testing. Allele origin: germline.

Blueprint Genetics
Classification: Uncertain significance. Last evaluated: 2021-12-06. Review status: criteria provided, single submitter. Criteria: ACMG Guidelines, 2015. Collection method: clinical testing. Allele origin: germline.

Literature cited by the submitters: PubMed 35533453 (cited by Ambry Genetics).

NM_024301.5(FKRP):c.1435G>A (p.Glu479Lys)

Gene: FKRP (fukutin related protein; plus strand). Cytogenetic location: 19q13.32.
Variant type: single nucleotide variant.
Coding change: c.1435G>A on transcript NM_024301.5 (MANE Select); coding-DNA position 1435, G replaced by A.
Protein change: p.Glu479Lys; replaces glutamic acid 479 with lysine.
Molecular consequence: missense variant.
Genome position (GRCh38, 1-based): chr19:46,756,885, G>A. VCF-style: chr19-46756885-G-A. GRCh37 (hg19) VCF-style: chr19-47260142-G-A.
Other names: c.1435G>A (NM_024301.4); c.1435G>A, p.Glu479Lys (NM_001039885.3); short protein forms E479K.
Identifiers: ClinVar variation 2441445 (VCV002441445.5), dbSNP rs1599940588, ClinGen allele CA406497359.